The following is an entry in ClinVar:

ClinVar aggregate classification (germline): Pathogenic. Review status: criteria provided, multiple submitters, no conflicts (2 of 4 stars). 5 submissions from 5 submitters: Pathogenic (4). 1 of the submissions does not count toward it. Last evaluated 2025-12-08.

Conditions:
Choroideremia. Also called: Chorioretinal scalloped atrophy. Identifiers: Orphanet 180, MedGen C0008525, MONDO:0010557, OMIM 303100, HP:0001139.
CHM-related disorders.
Retinal dystrophy. Also called: Inherited retinal dystrophy. Identifiers: Orphanet 71862, MedGen C0854723, MeSH D058499, MONDO:0019118, HP:0000556.

Submissions (5):

Research Institute for Ophthalmology and Vision Science, Shahid Beheshti University of Medical Sciences
Classification: Pathogenic for Choroideremia. Last evaluated: 2025-12-08. Review status: criteria provided, single submitter. Criteria: ACMG Guidelines, 2015. Collection method: research. Allele origin: inherited. Inheritance: X-linked recessive inheritance. Affected: yes.
Comment: The NM_000390.4(CHM):c.979C>T (p.Gln327Ter) variant is absent from population databases and results in a premature transational stop signal. Other submitters in ClinVar have also classified the variant as pathogenic.

Myriad Genetics, Inc.
Classification: Pathogenic for Choroideremia. Last evaluated: 2023-09-11. Review status: criteria provided, single submitter. Criteria: Myriad Autosomal Dominant, Autosomal Recessive and X-Linked Classification Criteria (2023). Collection method: clinical testing. Allele origin: unknown.
Comment: NM_000390.2(CHM):c.979C>T(Q327*) is expected to be pathogenic in the context of X-linked choroideremia. This variant is predicted to lead to an abnormal or absent protein product due to the creation of a premature termination codon in CHM, a gene where loss-of-function variants are known to be pathogenic. Please note: this variant was assessed in the context of healthy population screening.

Blueprint Genetics
Classification: Pathogenic for CHM-related disorders. Last evaluated: 2022-08-27. Review status: criteria provided, single submitter. Criteria: ACMG Guidelines, 2015. Collection method: clinical testing. Allele origin: germline. Affected: yes. Observed: 2 variant alleles.

Labcorp Genetics (formerly Invitae), Labcorp
Classification: Pathogenic. Last evaluated: 2021-10-29. Review status: criteria provided, single submitter. Criteria: Invitae Variant Classification Sherloc (09022015). Collection method: clinical testing. Allele origin: germline.
Comment: This sequence change creates a premature translational stop signal (p.Gln327*) in the CHM gene. It is expected to result in an absent or disrupted protein product. Loss-of-function variants in CHM are known to be pathogenic (PMID: 9067750, 23811034). For these reasons, this variant has been classified as Pathogenic. This variant has not been reported in the literature in individuals affected with CHM-related conditions. This variant is not present in population databases (gnomAD no frequency).

Institute of Human Genetics, Univ. Regensburg, Univ. Regensburg
Classification: Pathogenic for Retinal dystrophy. Last evaluated: 2021-01-01. Review status: no assertion criteria provided. Criteria: ACMG Guidelines, 2015. Collection method: clinical testing. Allele origin: germline. Affected: yes. Not counted in ClinVar's aggregate classification.

Literature cited by the submitters: PubMed 23811034 (cited by Research Institute for Ophthalmology and Vision Science, Shahid Beheshti University of Medical Sciences and Labcorp Genetics (formerly Invitae), Labcorp); PubMed 9067750 (cited by Labcorp Genetics (formerly Invitae), Labcorp).

NM_000390.4(CHM):c.979C>T (p.Gln327Ter)

Gene: CHM (CHM Rab escort protein; minus strand). Cytogenetic location: Xq21.2.
Variant type: single nucleotide variant.
Coding change: c.979C>T on transcript NM_000390.4 (MANE Select); coding-DNA position 979, C replaced by T.
Protein change: p.Gln327Ter; replaces glutamine 327 with a stop codon.
Molecular consequence: nonsense.
Genome position (GRCh38, 1-based): chrX:85,956,340, G>A on the plus strand (C>T on the coding strand, the complement: CHM is on the minus strand). VCF-style: chrX-85956340-G-A. GRCh37 (hg19) VCF-style: chrX-85211345-G-A.
Other names: c.535C>T, p.Gln179Ter (NM_001320959.1, NM_001362517.1, NM_001362518.2 and 1 more transcripts); short protein forms Q179*, Q327*.
Identifiers: ClinVar variation 1454540 (VCV001454540.9), dbSNP rs2147663380, ClinGen allele CA413785438.
Genomic context (GRCh38, chrX:85,956,340, plus strand): 5'-TCTCTGATGTCATTGCAATTGAATGCATGACAATATATTGGAGGTTGGGGGTTAATTTTT[G>A]AGTCTTTAAATATTCATAAAATGTGATCTCTTCATATCCTATGAAAAGATGAAATTTTAT-3'